The following is an entry in ClinVar:

NM_001572.5(IRF7):c.679+1G>C

Gene: IRF7 (interferon regulatory factor 7; minus strand). Cytogenetic location: 11p15.5.
Variant type: single nucleotide variant.
Coding change: c.679+1G>C on transcript NM_001572.5 (MANE Select); the canonical splice donor site of the intron after coding-DNA position 679, G replaced by C.
Molecular consequence: splice donor variant.
Genome position (GRCh38, 1-based): chr11:614,173, C>G on the plus strand (G>C on the coding strand, the complement: IRF7 is on the minus strand). VCF-style: chr11-614173-C-G. GRCh37 (hg19) VCF-style: chr11-614173-C-G.
Other names: c.679+1G>C (NM_004029.4); c.718+1G>C (NM_004031.4).
Identifiers: ClinVar variation 3641610 (VCV003641610.2).
Genomic context (GRCh38, chr11:614,173, plus strand): 5'-AGTGTCCGTCCAGGTGCACTGGCCCCTCCCGCGCTCCCCCCCTCCCCGGGCACGCCCACA[C>G]CTCCAGCACAGGCCCCAGTCAGGGGAAGCCCTTCTTGTCCCTCTCCAGGAGCCTTGGTTG-3'

ClinVar aggregate classification (germline): Uncertain significance (1 of 4 stars; one submission).

Conditions:
Immunodeficiency 39 (IMD39). Identifiers: Orphanet 574918, MedGen C4225358, MONDO:0014597, OMIM 616345.

gnomAD v4.1: 1 of 1,612,160 alleles (0.000062%); highest among the groups gnomAD compares: Non-Finnish European, 0.000085%; no homozygotes.

Submission:

Labcorp Genetics (formerly Invitae), Labcorp
Classification: Uncertain significance for Immunodeficiency 39. Last evaluated: 2024-02-17. Review status: criteria provided, single submitter. Criteria: Invitae Variant Classification Sherloc (09022015). Collection method: clinical testing. Allele origin: germline.
Comment: This sequence change affects a donor splice site in intron 4 of the IRF7 gene. It is expected to disrupt RNA splicing. Variants that disrupt the donor or acceptor splice site typically lead to a loss of protein function (PMID: 16199547), however the current clinical and genetic evidence is not sufficient to establish whether loss-of-function variants in IRF7 cause disease. This variant is not present in population databases (gnomAD no frequency). This variant has not been reported in the literature in individuals affected with IRF7-related conditions. Algorithms developed to predict the effect of sequence changes on RNA splicing suggest that this variant may disrupt the consensus splice site. In summary, the available evidence is currently insufficient to determine the role of this variant in disease. Therefore, it has been classified as a Variant of Uncertain Significance.

Literature cited by the submitters: PubMed 16199547.